The following is an entry in ClinVar:

ClinVar aggregate classification (germline): Uncertain significance. Review status: criteria provided, multiple submitters, no conflicts (2 of 4 stars). 3 submissions from 3 submitters: Uncertain significance (2). 1 of the submissions does not count toward it. Last evaluated 2024-01-23.

Conditions:
Bardet-Biedl syndrome (BBS). Identifiers: Orphanet 110, MedGen C0752166, MONDO:0015229.
Bardet-Biedl syndrome 7 (BBS7). Identifiers: Orphanet 110, MedGen C1859565, MONDO:0014435, OMIM 615984.
BBS7-related disorder. Also called: BBS7-related condition.

Allele frequency attached by ClinVar (database versions not stated): gnomAD 0.00001; TOPMed 0.00001.
gnomAD v4.1: 7 of 1,605,736 alleles (0.00044%); highest among the groups gnomAD compares: Non-Finnish European, 0.0006%; no homozygotes.

Submissions (3):

Fulgent Genetics
Classification: Uncertain significance for Bardet-Biedl syndrome 7. Last evaluated: 2024-01-23. Review status: criteria provided, single submitter. Criteria: ACMG Guidelines, 2015. Collection method: clinical testing. Allele origin: germline.

Labcorp Genetics (formerly Invitae), Labcorp
Classification: Uncertain significance for Bardet-Biedl syndrome. Last evaluated: 2022-06-18. Review status: criteria provided, single submitter. Criteria: Invitae Variant Classification Sherloc (09022015). Collection method: clinical testing. Allele origin: germline.
Comment: This sequence change replaces phenylalanine, which is neutral and non-polar, with leucine, which is neutral and non-polar, at codon 682 of the BBS7 protein (p.Phe682Leu). This variant is present in population databases (rs753884144, gnomAD 0.002%). This variant has not been reported in the literature in individuals affected with BBS7-related conditions. Algorithms developed to predict the effect of missense changes on protein structure and function (SIFT, PolyPhen-2, Align-GVGD) all suggest that this variant is likely to be tolerated. In summary, the available evidence is currently insufficient to determine the role of this variant in disease. Therefore, it has been classified as a Variant of Uncertain Significance.

PreventionGenetics, part of Exact Sciences
Classification: Uncertain significance for BBS7-related condition. Last evaluated: 2024-09-17. Review status: no assertion criteria provided. Collection method: clinical testing. Allele origin: germline. Not counted in ClinVar's aggregate classification.
Comment: The BBS7 c.2046T>G variant is predicted to result in the amino acid substitution p.Phe682Leu. To our knowledge, this variant has not been reported in the literature. This variant is reported in 0.0018% of alleles in individuals of European (Non-Finnish) descent in gnomAD. At this time, the clinical significance of this variant is uncertain due to the absence of conclusive functional and genetic evidence.

NM_176824.3(BBS7):c.2046T>G (p.Phe682Leu)

Gene: BBS7 (Bardet-Biedl syndrome 7; minus strand). Cytogenetic location: 4q27.
Variant type: single nucleotide variant.
Coding change: c.2046T>G on transcript NM_176824.3 (MANE Select); coding-DNA position 2046, T replaced by G.
Protein change: p.Phe682Leu; replaces phenylalanine 682 with leucine.
Molecular consequence: missense variant.
Genome position (GRCh38, 1-based): chr4:121,825,962, A>C on the plus strand (T>G on the coding strand, the complement: BBS7 is on the minus strand). VCF-style: chr4-121825962-A-C. GRCh37 (hg19) VCF-style: chr4-122747117-A-C.
Other names: c.2046T>G (NM_176824.2); short protein forms F682L.
Identifiers: ClinVar variation 1956416 (VCV001956416.4), dbSNP rs753884144, ClinGen allele CA3064061.
Genomic context (GRCh38, chr4:121,825,962, plus strand): 5'-ACTGTCCAGAATTTCCAATAGAAGGGGTACTTTAGTTTTTACATTGGTGCCTTTAAACTT[A>C]AATTTATCTATGAAAAGATCAGTGATCATGCCTTTAAAGAAAAAACATAAATTTCCTGTC-3'
Protein context (NP_789794.1, residues 672-692): GMITDLFIDK[Phe682Leu]KFKGTNVKTK